The following is an entry in ClinVar:

ClinVar aggregate classification (germline): Uncertain significance (1 of 4 stars; one submission).

Submission:

GeneDx
Classification: Uncertain significance. Last evaluated: 2023-06-16. Review status: criteria provided, single submitter. Criteria: GeneDx Variant Classification Process June 2021. Collection method: clinical testing. Allele origin: germline. Affected: yes.
Comment: Not observed at significant frequency in large population cohorts (gnomAD); In silico analysis supports that this missense variant does not alter protein structure/function; Has not been previously published as pathogenic or benign to our knowledge

NM_001353345.2(SETD1B):c.4567C>G (p.Arg1523Gly)

Gene: SETD1B (SET domain containing 1B, histone lysine methyltransferase; plus strand). Cytogenetic location: 12q24.31.
Variant type: single nucleotide variant.
Coding change: c.4567C>G on transcript NM_001353345.2 (MANE Select); coding-DNA position 4567, C replaced by G.
Protein change: p.Arg1523Gly; replaces arginine 1523 with glycine.
Molecular consequence: missense variant.
Genome position (GRCh38, 1-based): chr12:121,823,146, C>G. VCF-style: chr12-121823146-C-G. GRCh37 (hg19) VCF-style: chr12-122261052-C-G.
Other names: short protein forms R1523G.
Identifiers: ClinVar variation 3360080 (VCV003360080.1).